The following is an entry in ClinVar:

NM_177438.3(DICER1):c.3309C>G (p.Asp1103Glu)

Gene: DICER1 (dicer 1, ribonuclease III; minus strand). Cytogenetic location: 14q32.13.
Variant type: single nucleotide variant.
Coding change: c.3309C>G on transcript NM_177438.3 (MANE Select); coding-DNA position 3309, C replaced by G.
Protein change: p.Asp1103Glu; replaces aspartic acid 1103 with glutamic acid.
Molecular consequence: missense variant. On other transcripts: non-coding transcript variant (4).
Genome position (GRCh38, 1-based): chr14:95,104,087, G>C on the plus strand (C>G on the coding strand, the complement: DICER1 is on the minus strand). VCF-style: chr14-95104087-G-C. GRCh37 (hg19) VCF-style: chr14-95570424-G-C.
Other names: c.3309C>G, p.Asp1103Glu (NM_001195573.1, NM_001271282.3, NM_001291628.2 and 12 more transcripts); c.3027C>G, p.Asp1009Glu (NM_001395686.1); c.2904C>G, p.Asp968Glu (NM_001395687.1, NM_001395688.1, NM_001395689.1 and 2 more transcripts); c.2742C>G, p.Asp914Glu (NM_001395691.1); c.1626C>G, p.Asp542Glu (NM_001395697.1); short protein forms D1009E, D1103E, D968E, D542E, D914E.
Identifiers: ClinVar variation 4637502 (VCV004637502.1).

ClinVar aggregate classification (germline): Uncertain significance (1 of 4 stars; one submission).

Conditions:
Hereditary cancer-predisposing syndrome. Also called: Neoplastic Syndromes, Hereditary; Tumor predisposition; Hereditary Cancer Syndrome; Hereditary neoplastic syndrome. Identifiers: Orphanet 140162, MedGen C0027672, MeSH D009386, MONDO:0015356.

Submission:

Ambry Genetics
Classification: Uncertain significance for Hereditary cancer-predisposing syndrome. Last evaluated: 2025-11-05. Review status: criteria provided, single submitter. Criteria: Ambry Variant Classification Scheme 2023. Collection method: clinical testing. Allele origin: germline.
Comment: The p.D1103E variant (also known as c.3309C>G), located in coding exon 20 of the DICER1 gene, results from a C to G substitution at nucleotide position 3309. The aspartic acid at codon 1103 is replaced by glutamic acid, an amino acid with highly similar properties. This amino acid position is conserved. In addition, this alteration is predicted to be tolerated by in silico analysis. Based on the available evidence, the clinical significance of this variant remains unclear.